The following is an entry in ClinVar:

ClinVar aggregate classification (germline): Likely benign. Review status: criteria provided, multiple submitters, no conflicts (2 of 4 stars). 6 submissions from 6 submitters: Likely benign (5). 1 of the submissions does not count toward it. Last evaluated 2025-12-19.

Conditions:
MAP2K1-related disorder. Also called: MAP2K1-related disorders; MAP2K1-related condition.
Cardiovascular phenotype. Identifiers: MedGen CN230736.
RASopathy. Also called: rasopathies; Noonan spectrum disorder. Identifiers: Orphanet 536391, MedGen C5555857, MONDO:0021060.

Allele frequency attached by ClinVar (database versions not stated): ExAC 0.00003; gnomAD exomes 0.00005 and 0.00006; ESP Exome Variant Server 0.00008; gnomAD 0.00009 and 0.00013; TOPMed 0.00017.
gnomAD v4.1: 86 of 1,613,556 alleles (0.0053%); highest among the groups gnomAD compares: Admixed American, 0.013%; no homozygotes.

Submissions (6):

Labcorp Genetics (formerly Invitae), Labcorp
Classification: Likely benign for RASopathy. Last evaluated: 2025-12-19. Review status: criteria provided, single submitter. Criteria: Invitae Variant Classification Sherloc (09022015). Collection method: clinical testing. Allele origin: germline.

Blueprint Genetics
Classification: Likely benign. Last evaluated: 2024-10-02. Review status: criteria provided, single submitter. Criteria: ACMG Guidelines, 2015. Collection method: clinical testing. Allele origin: germline.

Ambry Genetics
Classification: Likely benign for Cardiovascular phenotype. Last evaluated: 2022-07-06. Review status: criteria provided, single submitter. Criteria: Ambry Variant Classification Scheme 2023. Collection method: clinical testing. Allele origin: germline.

GeneDx
Classification: Likely benign. Last evaluated: 2021-05-19. Review status: criteria provided, single submitter. Criteria: GeneDx Variant Classification Process June 2021. Collection method: clinical testing. Allele origin: germline. Affected: yes.

Laboratory for Molecular Medicine, Mass General Brigham Personalized Medicine
Classification: Likely benign. Last evaluated: 2012-09-20. Review status: criteria provided, single submitter. Criteria: LMM Criteria. Collection method: clinical testing. Allele origin: germline. Observed: 3 variant alleles.
Comment: Val242Val in exon 7 of MAP2K1: This variant is not expected to have clinical sig nificance because it does not alter an amino acid residue and it is not located within the splice consensus sequence. It has been identified in 1/4402 African American chromosomes from a broad population by the NHLBI Exome Sequencing Proje ct (dbSNP rs143019052).

PreventionGenetics, part of Exact Sciences
Classification: Likely benign for MAP2K1-related condition. Last evaluated: 2022-05-10. Review status: no assertion criteria provided. Collection method: clinical testing. Allele origin: germline. Not counted in ClinVar's aggregate classification.
Comment: This variant is classified as likely benign based on ACMG/AMP sequence variant interpretation guidelines (Richards et al. 2015 PMID: 25741868, with internal and published modifications).

NM_002755.4(MAP2K1):c.726G>T (p.Val242=)

Gene: MAP2K1 (mitogen-activated protein kinase kinase 1; plus strand). Cytogenetic location: 15q22.31.
Variant type: single nucleotide variant.
Coding change: c.726G>T on transcript NM_002755.4 (MANE Select); coding-DNA position 726, G replaced by T.
Protein change: p.Val242=; no amino-acid change (valine 242 retained).
Molecular consequence: synonymous variant.
Genome position (GRCh38, 1-based): chr15:66,485,022, G>T. VCF-style: chr15-66485022-G-T. GRCh37 (hg19) VCF-style: chr15-66777360-G-T.
Identifiers: ClinVar variation 44591 (VCV000044591.21), dbSNP rs373745627, ClinGen allele CA134616.